The following is an entry in ClinVar:

ClinVar aggregate classification (germline): Conflicting classifications of pathogenicity. Review status: criteria provided, conflicting classifications (1 of 4 stars). 4 submissions from 4 submitters: Uncertain significance (3); Likely benign (1). Last evaluated 2025-12-16.

Conditions:
Intellectual disability, autosomal dominant 16 (CSS4). Also called: COFFIN-SIRIS SYNDROME 4. Identifiers: Orphanet 1465, MedGen C3553249, MONDO:0013821, OMIM 614609.
Rhabdoid tumor predisposition syndrome 2 (RTPS2). Identifiers: Orphanet 231108, Orphanet 69077, MedGen C2750074, MONDO:0013224, OMIM 613325.
Otosclerosis 12. Identifiers: MedGen C5935610, MONDO:0968980, OMIM 620792.
Hereditary cancer-predisposing syndrome. Also called: Tumor predisposition; Hereditary Cancer Syndrome; Hereditary neoplastic syndrome; Neoplastic Syndromes, Hereditary. Identifiers: Orphanet 140162, MedGen C0027672, MeSH D009386, MONDO:0015356.

Allele frequency attached by ClinVar (database versions not stated): gnomAD exomes below 0.00001 and 0.00001; gnomAD 0.00001; TOPMed 0.00001.
gnomAD v4.1: 5 of 1,550,894 alleles (0.00032%); highest among the groups gnomAD compares: East Asian, 0.0073%; no homozygotes.

Submissions (4):

Labcorp Genetics (formerly Invitae), Labcorp
Classification: Uncertain significance for Rhabdoid tumor predisposition syndrome 2. Last evaluated: 2025-12-16. Review status: criteria provided, single submitter. Criteria: Invitae Variant Classification Sherloc (09022015). Collection method: clinical testing. Allele origin: germline.
Comment: This sequence change replaces arginine, which is basic and polar, with glutamine, which is neutral and polar, at codon 1647 of the SMARCA4 protein (p.Arg1647Gln). This variant is present in population databases (no rsID available, gnomAD 0.02%). This missense change has been observed in individual(s) with clinical features of SMARCA4-related conditions (PMID: 37500730). ClinVar contains an entry for this variant (Variation ID: 486488). Invitae Evidence Modeling of protein sequence and biophysical properties (such as structural, functional, and spatial information, amino acid conservation, physicochemical variation, residue mobility, and thermodynamic stability) indicates that this missense variant is expected to disrupt SMARCA4 protein function with a positive predictive value of 80%. In summary, the available evidence is currently insufficient to determine the role of this variant in disease. Therefore, it has been classified as a Variant of Uncertain Significance.

Fulgent Genetics
Classification: Uncertain significance for Rhabdoid tumor predisposition syndrome 2; Intellectual disability, autosomal dominant 16; Otosclerosis 12. Last evaluated: 2024-01-23. Review status: criteria provided, single submitter. Criteria: ACMG Guidelines, 2015. Collection method: clinical testing. Allele origin: germline.

Ambry Genetics
Classification: Likely benign for Hereditary cancer-predisposing syndrome. Last evaluated: 2023-08-16. Review status: criteria provided, single submitter. Criteria: Ambry Variant Classification Scheme 2023. Collection method: clinical testing. Allele origin: germline.

Genome-Nilou Lab
Classification: Uncertain significance for Intellectual disability, autosomal dominant 16. Last evaluated: 2021-07-15. Review status: criteria provided, single submitter. Criteria: ACMG Guidelines, 2015. Collection method: clinical testing. Allele origin: germline. Affected: no.

Literature cited by the submitters: PubMed 37500730 (cited by Labcorp Genetics (formerly Invitae), Labcorp).

NM_003072.5(SMARCA4):c.4844G>A (p.Arg1615Gln)

Gene: SMARCA4 (SWI/SNF related BAF chromatin remodeling complex subunit ATPase 4; plus strand). Cytogenetic location: 19p13.2.
Variant type: single nucleotide variant.
Coding change: c.4844G>A on transcript NM_003072.5 (MANE Select); coding-DNA position 4844, G replaced by A.
Protein change: p.Arg1615Gln; replaces arginine 1615 with glutamine.
Molecular consequence: missense variant. On other transcripts: non-coding transcript variant (1).
Genome position (GRCh38, 1-based): chr19:11,060,120, G>A. VCF-style: chr19-11060120-G-A. GRCh37 (hg19) VCF-style: chr19-11170796-G-A.
Other names: c.4844G>A, p.Arg1615Gln (NM_001128844.3); c.4754G>A, p.Arg1585Gln (NM_001128845.2); c.4751G>A, p.Arg1584Gln (NM_001128846.2); c.4745G>A, p.Arg1582Gln (NM_001128847.4, NM_001374457.1); c.4742G>A, p.Arg1581Gln (NM_001128848.2); c.4940G>A, p.Arg1647Gln (NM_001128849.3, NM_001387283.1); c.4940G>A (NM_001128849.2); short protein forms R1647Q, R1585Q, R1582Q, R1581Q, R1584Q, R1615Q.
Identifiers: ClinVar variation 486488 (VCV000486488.16), dbSNP rs1278313953, ClinGen allele CA404080675.
Genomic context (GRCh38, chr19:11,060,120, plus strand): 5'-TGAAGATCAAGCTTGGCCGGAAGGAGAAGGCACAGGACCGGCTGAAGGGCGGCCGGCGGC[G>A]GCCGAGCCGAGGGTCCCGAGCCAAGCCGGTCGTGAGTGACGATGACAGTGAGGAGGAACA-3'
Protein context (NP_003063.2, residues 1605-1625): AQDRLKGGRR[Arg1615Gln]PSRGSRAKPV